The following is an entry in ClinVar:

NM_020821.3(VPS13C):c.9338C>T (p.Thr3113Ile)

Gene: VPS13C (vacuolar protein sorting 13 homolog C; minus strand). Cytogenetic location: 15q22.2.
Variant type: single nucleotide variant.
Coding change: c.9338C>T on transcript NM_020821.3 (MANE Select); coding-DNA position 9338, C replaced by T.
Protein change: p.Thr3113Ile; replaces threonine 3113 with isoleucine.
Molecular consequence: missense variant.
Genome position (GRCh38, 1-based): chr15:61,890,168, G>A on the plus strand (C>T on the coding strand, the complement: VPS13C is on the minus strand). VCF-style: chr15-61890168-G-A. GRCh37 (hg19) VCF-style: chr15-62182367-G-A.
Other names: c.9338C>T, p.Thr3113Ile (NM_001018088.3); c.9209C>T, p.Thr3070Ile (NM_017684.5, NM_018080.4); short protein forms T3113I, T3070I.
Identifiers: ClinVar variation 2092544 (VCV002092544.4), dbSNP rs768229530, ClinGen allele CA392674473.
Genomic context (GRCh38, chr15:61,890,168, plus strand): 5'-ATTATGAACTTAATGCCTTTTAAAGGTTTAGGATGTCTTATTTTCCTTCTTGCATACCTG[G>A]TTATCCCAATATAGGAAACTTCCTGCTTGCTTTCATTGTTAACCAGTGAAAGCCCAAGAC-3'
Protein context (NP_065872.1, residues 3103-3123): SKQEVSYIGI[Thr3113Ile]SSGVVWEVKP

ClinVar aggregate classification (germline): Uncertain significance (1 of 4 stars; one submission).

gnomAD v4.1: 2 of 1,613,736 alleles (0.00012%); highest among the groups gnomAD compares: Non-Finnish European, 0.000085%; no homozygotes.

Submission:

Labcorp Genetics (formerly Invitae), Labcorp
Classification: Uncertain significance. Last evaluated: 2022-09-13. Review status: criteria provided, single submitter. Criteria: Invitae Variant Classification Sherloc (09022015). Collection method: clinical testing. Allele origin: germline.
Comment: Algorithms developed to predict the effect of missense changes on protein structure and function (SIFT, PolyPhen-2, Align-GVGD) all suggest that this variant is likely to be tolerated. In summary, the available evidence is currently insufficient to determine the role of this variant in disease. Therefore, it has been classified as a Variant of Uncertain Significance. This variant has not been reported in the literature in individuals affected with VPS13C-related conditions. This variant is present in population databases (no rsID available, gnomAD no frequency). This sequence change replaces threonine, which is neutral and polar, with isoleucine, which is neutral and non-polar, at codon 3113 of the VPS13C protein (p.Thr3113Ile).